The following is an entry in ClinVar:

ClinVar aggregate classification (germline): Pathogenic (1 of 4 stars; one submission).

Conditions:
CHARGE syndrome (CHARGE). Also called: Hittner Hirsch Kreh syndrome; CHARGE ASSOCIATION--COLOBOMA, HEART ANOMALY, CHOANAL ATRESIA, RETARDATION, GENITAL AND EAR ANOMALIES; Coloboma, heart anomaly, choanal atresia, retardation, genital and ear anomalies; CHARGE association; Hall-Hittner syndrome. Identifiers: Orphanet 138, MedGen C0265354, MONDO:0008965.

Submission:

Clinical Genetics Laboratory, Skane University Hospital Lund
Classification: Pathogenic for CHARGE syndrome. Last evaluated: 2025-06-09. Review status: criteria provided, single submitter. Criteria: ACMG Guidelines, 2015. Collection method: clinical testing. Allele origin: de novo. Inheritance: Autosomal dominant inheritance. Affected: yes.
Comment: ACMG criteria used: PVS1, PS2, PM2

NM_017780.4(CHD7):c.2188del (p.Thr730fs)

Gene: CHD7 (chromodomain helicase DNA binding protein 7; plus strand). Cytogenetic location: 8q12.2.
Variant type: Deletion.
Coding change: c.2188del on transcript NM_017780.4 (MANE Select); coding-DNA position 2188, one base deleted (A; older notation c.2188delA).
Protein change: p.Thr730fs; shifts the reading frame from threonine 730.
Molecular consequence: frameshift variant. On other transcripts: intron variant (1).
Genome position (GRCh38, 1-based): chr8:60,795,077, A deleted; the last of 4 consecutive A bases (chr8:60,795,074-60,795,077); deleting any one gives the same sequence. VCF-style (leftmost placement, unchanged base first): chr8-60795073-CA-C. GRCh37 (hg19) VCF-style: chr8-61707632-CA-C.
Other names: c.1716+14027del (NM_001316690.1); short protein forms T730fs.
Identifiers: ClinVar variation 3901264 (VCV003901264.1).